The following is an entry in ClinVar:

NM_001353921.2(ARHGEF9):c.667C>T (p.Arg223Cys)

Gene: ARHGEF9 (Cdc42 guanine nucleotide exchange factor 9; minus strand). Cytogenetic location: Xq11.1.
Variant type: single nucleotide variant.
Coding change: c.667C>T on transcript NM_001353921.2 (MANE Select); coding-DNA position 667, C replaced by T.
Protein change: p.Arg223Cys; replaces arginine 223 with cysteine.
Molecular consequence: missense variant.
Genome position (GRCh38, 1-based): chrX:63,678,488, G>A on the plus strand (C>T on the coding strand, the complement: ARHGEF9 is on the minus strand). VCF-style: chrX-63678488-G-A. GRCh37 (hg19) VCF-style: chrX-62898368-G-A.
Other names: p.Arg216Cys; c.487C>T, p.Arg163Cys (NM_001173479.2); c.340C>T, p.Arg114Cys (NM_001173480.2, NM_001369042.1); c.583C>T, p.Arg195Cys (NM_001330495.2, NM_001353927.2, NM_001369033.1 and 8 more transcripts); c.667C>T, p.Arg223Cys (NM_001353922.2); c.685C>T, p.Arg229Cys (NM_001353923.1); c.466C>T, p.Arg156Cys (NM_001353924.2, NM_001353926.2, NM_001369039.1 and 1 more transcripts); c.646C>T, p.Arg216Cys (NM_001353928.2, NM_001369030.1, NM_001369031.1 and 2 more transcripts); and 1 more; short protein forms R216C, R195C, R223C, R78C, R114C, R156C, R229C, R163C.
Identifiers: ClinVar variation 571820 (VCV000571820.13), dbSNP rs782139620, ClinGen allele CA10431920.

ClinVar aggregate classification (germline): Conflicting classifications of pathogenicity. Review status: criteria provided, conflicting classifications (1 of 4 stars). 3 submissions from 3 submitters: Uncertain significance (2); Likely benign (1). Last evaluated 2025-04-18.

Conditions:
Developmental and epileptic encephalopathy, 8 (DEE8). Also called: HYPEREKPLEXIA AND EPILEPSY. Identifiers: Orphanet 163985, Orphanet 2076, MedGen C1845102, MONDO:0010375, OMIM 300607.

Allele frequency attached by ClinVar (database versions not stated): gnomAD 0.00001; gnomAD exomes 0.00002 and 0.00004; TOPMed 0.00003; ExAC 0.00004.
gnomAD v4.1: 11 of 1,203,270 alleles (0.00091%); highest among the groups gnomAD compares: Admixed American, 0.018%; no homozygotes.

Submissions (3):

Labcorp Genetics (formerly Invitae), Labcorp
Classification: Likely benign for Developmental and epileptic encephalopathy, 8. Last evaluated: 2025-04-18. Review status: criteria provided, single submitter. Criteria: Invitae Variant Classification Sherloc (09022015). Collection method: clinical testing. Allele origin: germline.

Women's Health and Genetics/Laboratory Corporation of America, LabCorp
Classification: Uncertain significance. Last evaluated: 2022-03-04. Review status: criteria provided, single submitter. Criteria: LabCorp Variant Classification Summary - May 2015. Collection method: clinical testing. Allele origin: germline.
Comment: Variant summary: ARHGEF9 c.646C>T (p.Arg216Cys) results in a non-conservative amino acid change located in the Dbl homology (DH) domain (IPR000219) of the encoded protein sequence. Four of five in-silico tools predict a damaging effect of the variant on protein function. The variant allele was found at a frequency of 4.2e-05 in 168404 control chromosomes (gnomAD), including one hemizgyote. The available data on variant occurrences in the general population are insufficient to allow any conclusion about variant significance. c.646C>T has been reported in the literature in one hemizygotic individual affected with isolated Developmental Disorder (Dong_2020), however this report does not provide unequivocal conclusions about association of the variant with Early Infantile Epileptic Encephalopathy 8. To our knowledge, no experimental evidence demonstrating an impact on protein function has been reported. One ClinVar submitter has assessed the variant since 2014: the variant was classified as of uncertain significance. Based on the evidence outlined above, the variant was classified as uncertain significance.

Mayo Clinic Laboratories, Mayo Clinic
Classification: Uncertain significance. Last evaluated: 2021-12-02. Review status: criteria provided, single submitter. Criteria: ACMG Guidelines, 2015. Collection method: clinical testing. Allele origin: germline.

Literature cited by the submitters: PubMed 32005694 (cited by Women's Health and Genetics/Laboratory Corporation of America, LabCorp).